The following is an entry in ClinVar:

NM_000069.3(CACNA1S):c.1151-38C>A

Gene: CACNA1S (calcium voltage-gated channel subunit alpha1 S; minus strand). Cytogenetic location: 1q32.1.
Variant type: single nucleotide variant.
Coding change: c.1151-38C>A on transcript NM_000069.3 (MANE Select); 38 bases into the intron before coding-DNA position 1151, C replaced by A.
Molecular consequence: intron variant.
Genome position (GRCh38, 1-based): chr1:201,085,069, G>T on the plus strand (C>A on the coding strand, the complement: CACNA1S is on the minus strand). VCF-style: chr1-201085069-G-T. GRCh37 (hg19) VCF-style: chr1-201054197-G-T.
Identifiers: ClinVar variation 678295 (VCV000678295.2), dbSNP rs41267505, ClinGen allele CA1321822.
Genomic context (GRCh38, chr1:201,085,069, plus strand): 5'-ACCTTCATCCAAAGACAGTTTTCCTGGAGACAGGAGAGAAAGAGTCAGCCAGCCTTCGGG[G>T]CCCCTCTGGGCTGGACACACCTGGACTGGGCACCCGAGACAAGGGCCCATTGACCAGAGA-3'

ClinVar aggregate classification (germline): Benign. Review status: criteria provided, multiple submitters, no conflicts (2 of 4 stars). 2 submissions from 2 submitters: Benign (2). Last evaluated 2018-06-19.

Allele frequency attached by ClinVar (database versions not stated): 1000 Genomes Project 0.12859; 1000 Genomes Project 30x 0.13164; TOPMed 0.15663; ESP Exome Variant Server 0.15724.

Submissions (2):

GeneDx
Classification: Benign. Last evaluated: 2018-06-19. Review status: criteria provided, single submitter. Criteria: GeneDx Variant Classification (06012015). Collection method: clinical testing. Allele origin: germline. Affected: yes.
Comment: This variant is considered likely benign or benign based on one or more of the following criteria: it is a conservative change, it occurs at a poorly conserved position in the protein, it is predicted to be benign by multiple in silico algorithms, and/or has population frequency not consistent with disease.

Breakthrough Genomics
Classification: Benign. Review status: criteria provided, single submitter. Criteria: ACMG Guidelines, 2015. Collection method: not provided. Allele origin: germline. Inheritance: Autosomal dominant inheritance. Affected: yes.